The following is an entry in ClinVar:

ClinVar aggregate classification (germline): Uncertain significance (1 of 4 stars; one submission).

Submission:

Labcorp Genetics (formerly Invitae), Labcorp
Classification: Uncertain significance. Last evaluated: 2020-06-23. Review status: criteria provided, single submitter. Criteria: Invitae Variant Classification Sherloc (09022015). Collection method: clinical testing. Allele origin: germline.
Comment: Algorithms developed to predict the effect of missense changes on protein structure and function are either unavailable or do not agree on the potential impact of this missense change (SIFT: "Tolerated"; PolyPhen-2: "Possibly Damaging"; Align-GVGD: "Class C0"). In summary, the available evidence is currently insufficient to determine the role of this variant in disease. Therefore, it has been classified as a Variant of Uncertain Significance. This sequence change replaces glutamine with proline at codon 156 of the CYP24A1 protein (p.Gln156Pro). The glutamine residue is highly conserved and there is a moderate physicochemical difference between glutamine and proline. This variant is not present in population databases (ExAC no frequency). This variant has not been reported in the literature in individuals with CYP24A1-related conditions.

NM_000782.5(CYP24A1):c.467A>C (p.Gln156Pro)

Gene: CYP24A1 (cytochrome P450 family 24 subfamily A member 1; minus strand). Cytogenetic location: 20q13.2.
Variant type: single nucleotide variant.
Coding change: c.467A>C on transcript NM_000782.5 (MANE Select); coding-DNA position 467, A replaced by C.
Protein change: p.Gln156Pro; replaces glutamine 156 with proline.
Molecular consequence: missense variant.
Genome position (GRCh38, 1-based): chr20:54,171,653, T>G on the plus strand (A>C on the coding strand, the complement: CYP24A1 is on the minus strand). VCF-style: chr20-54171653-T-G. GRCh37 (hg19) VCF-style: chr20-52788192-T-G.
Other names: c.467A>C, p.Gln156Pro (NM_001128915.2); short protein forms Q156P.
Identifiers: ClinVar variation 1038891 (VCV001038891.8), dbSNP rs2092694429, ClinGen allele CA409392721.